The following is an entry in ClinVar:

ClinVar aggregate classification (germline): Uncertain significance (1 of 4 stars; one submission).

gnomAD v4.1: 1 of 1,613,690 alleles (0.000062%); highest among the groups gnomAD compares: Non-Finnish European, 0.000085%; no homozygotes.

Submission:

GeneDx
Classification: Uncertain significance. Last evaluated: 2025-01-09. Review status: criteria provided, single submitter. Criteria: GeneDx Variant Classification Process June 2021. Collection method: clinical testing. Allele origin: germline. Affected: yes.
Comment: Not observed at significant frequency in large population cohorts (gnomAD); In silico analysis supports that this missense variant has a deleterious effect on protein structure/function; Has not been previously published as pathogenic or benign to our knowledge

NM_001277115.2(DNAH11):c.8244C>A (p.Asp2748Glu)

Gene: DNAH11 (dynein axonemal heavy chain 11; plus strand). Cytogenetic location: 7p15.3.
Variant type: single nucleotide variant.
Coding change: c.8244C>A on transcript NM_001277115.2 (MANE Select); coding-DNA position 8244, C replaced by A.
Protein change: p.Asp2748Glu; replaces aspartic acid 2748 with glutamic acid.
Molecular consequence: missense variant.
Genome position (GRCh38, 1-based): chr7:21,744,527, C>A. VCF-style: chr7-21744527-C-A. GRCh37 (hg19) VCF-style: chr7-21784145-C-A.
Other names: short protein forms D2748E.
Identifiers: ClinVar variation 4057039 (VCV004057039.1).